The following is an entry in ClinVar:

NM_001142864.4(PIEZO1):c.2664+7del

Genes: HSALR1 (HSP90AB1 associated lncRNA 1; plus strand), PIEZO1 (piezo type mechanosensitive ion channel component 1 (Er blood group); minus strand). Cytogenetic location: 16q24.3.
Variant type: Deletion.
Coding change: c.2664+7del on transcript NM_001142864.4 (MANE Select); 7 bases into the intron after coding-DNA position 2664, one base deleted (G; older notation c.2664+7delG).
Molecular consequence: intron variant.
Genome position (GRCh38, 1-based): chr16:88,733,271, C deleted on the plus strand (G on the coding strand, the reverse complement: PIEZO1 is on the minus strand); the first of 2 consecutive C bases (chr16:88,733,271-88,733,272); deleting either gives the same sequence. VCF-style (leftmost placement, unchanged base first): chr16-88733270-GC-G. GRCh37 (hg19) VCF-style: chr16-88799678-GC-G.
Other names: p.?; c.2664+7del (NM_001142864.3).
Identifiers: ClinVar variation 727413 (VCV000727413.21), dbSNP rs556884023, ClinGen allele CA8232738.

ClinVar aggregate classification (germline): Benign/Likely benign. Review status: criteria provided, multiple submitters, no conflicts (2 of 4 stars). 5 submissions from 5 submitters: Benign (2); Likely benign (3). Last evaluated 2025-10-14.

Conditions:
Lymphatic malformation 6 (LMPHM6). Also called: PIEZO1-related generalized lymphatic dysplasia with non-immune hydrops fetalis; GENERALIZED LYMPHATIC DYSPLASIA OF FOTIOU; Lymphedema, hereditary, III. Identifiers: Orphanet 568062, MedGen C4225184, MONDO:0014797, OMIM 616843.
Dehydrated hereditary stomatocytosis with or without pseudohyperkalemia and/or perinatal edema (DHS1). Also called: DEHYDRATED HEREDITARY STOMATOCYTOSIS AND PSEUDOHYPERKALEMIA; PSEUDOHYPERKALEMIA EDINBURGH; DEHYDRATED HEREDITARY STOMATOCYTOSIS WITH PSEUDOHYPERKALEMIA AND PERINATAL EDEMA; Pseudohyperkalemia, familial, 1, due to red cell leak; Dehydrated hereditary stomatocytosis 1 with or without pseudohyperkalemia and/or perinatal edema. Identifiers: Orphanet 3202, MedGen C4551512, MONDO:0008689, OMIM 194380.

Submissions (5):

Labcorp Genetics (formerly Invitae), Labcorp
Classification: Benign. Last evaluated: 2025-10-14. Review status: criteria provided, single submitter. Criteria: Invitae Variant Classification Sherloc (09022015). Collection method: clinical testing. Allele origin: germline.

Mayo Clinic Laboratories, Mayo Clinic
Classification: Likely benign. Last evaluated: 2025-08-11. Review status: criteria provided, single submitter. Criteria: ACMG Guidelines, 2015. Collection method: clinical testing. Allele origin: germline. Observed: 5 variant alleles.
Comment: BS2, BP4, BP7

Blueprint Genetics
Classification: Likely benign. Last evaluated: 2024-08-28. Review status: criteria provided, single submitter. Criteria: ACMG Guidelines, 2015. Collection method: clinical testing. Allele origin: germline.

Fulgent Genetics
Classification: Likely benign for Dehydrated hereditary stomatocytosis with or without pseudohyperkalemia and/or perinatal edema; Lymphatic malformation 6. Last evaluated: 2021-09-27. Review status: criteria provided, single submitter. Criteria: ACMG Guidelines, 2015. Collection method: clinical testing. Allele origin: unknown.

ARUP Laboratories, Molecular Genetics and Genomics, ARUP Laboratories
Classification: Benign. Last evaluated: 2020-05-29. Review status: criteria provided, single submitter. Criteria: ARUP Molecular Germline Variant Investigation Process. Collection method: clinical testing. Allele origin: germline.